The following is an entry in ClinVar:

ClinVar aggregate classification (germline): Likely benign. Review status: criteria provided, multiple submitters, no conflicts (2 of 4 stars). 2 submissions from 2 submitters: Likely benign (2). Last evaluated 2025-11-24.

Conditions:
PCNT-related disorder. Also called: PCNT-related condition.

Allele frequency attached by ClinVar (database versions not stated): gnomAD exomes below 0.00001; TOPMed 0.00001.
gnomAD v4.1: 4 of 1,614,138 alleles (0.00025%); highest among the groups gnomAD compares: Admixed American, 0.0033%; no homozygotes.

Submissions (2):

PreventionGenetics, part of Exact Sciences
Classification: Likely benign for PCNT-related condition. Last evaluated: 2025-11-24. Review status: criteria provided, single submitter. Criteria: ACMG Guidelines, 2015. Collection method: clinical testing. Allele origin: germline.
Comment: This variant is classified as likely benign based on ACMG/AMP sequence variant interpretation guidelines (Richards et al. 2015 PMID: 25741868, with internal and published modifications).

Labcorp Genetics (formerly Invitae), Labcorp
Classification: Likely benign. Last evaluated: 2023-06-29. Review status: criteria provided, single submitter. Criteria: Invitae Variant Classification Sherloc (09022015). Collection method: clinical testing. Allele origin: germline.

NM_006031.6(PCNT):c.639+9T>C

Gene: PCNT (pericentrin; plus strand). Cytogenetic location: 21q22.3.
Variant type: single nucleotide variant.
Coding change: c.639+9T>C on transcript NM_006031.6 (MANE Select); 9 bases into the intron after coding-DNA position 639, T replaced by C.
Molecular consequence: intron variant.
Genome position (GRCh38, 1-based): chr21:46,334,777, T>C. VCF-style: chr21-46334777-T-C. GRCh37 (hg19) VCF-style: chr21-47754691-T-C.
Other names: c.639+9T>C (NM_006031.5); c.285+9T>C (NM_001315529.2).
Identifiers: ClinVar variation 2996849 (VCV002996849.4), dbSNP rs989128405, ClinGen allele CA322001089.